The following is an entry in ClinVar:

ClinVar aggregate classification (germline): Uncertain significance (1 of 4 stars; one submission).

Submission:

GeneDx
Classification: Uncertain significance. Last evaluated: 2025-07-01. Review status: criteria provided, single submitter. Criteria: GeneDx Variant Classification Process June 2021. Collection method: clinical testing. Allele origin: germline.
Comment: Not observed at significant frequency in large population cohorts (gnomAD); In silico analysis suggests that this missense variant does not alter protein structure/function; Has not been previously published as pathogenic or benign to our knowledge

NM_001385012.1(NBEA):c.5227G>A (p.Val1743Met)

Gene: NBEA (neurobeachin; plus strand). Cytogenetic location: 13q13.3.
Variant type: single nucleotide variant.
Coding change: c.5227G>A on transcript NM_001385012.1 (MANE Select); coding-DNA position 5227, G replaced by A.
Protein change: p.Val1743Met; replaces valine 1743 with methionine.
Molecular consequence: missense variant.
Genome position (GRCh38, 1-based): chr13:35,196,163, G>A. VCF-style: chr13-35196163-G-A. GRCh37 (hg19) VCF-style: chr13-35770300-G-A.
Other names: c.5218G>A, p.Val1740Met (NM_001379245.1); c.5227G>A, p.Val1743Met (NM_015678.5); short protein forms V1740M, V1743M.
Identifiers: ClinVar variation 3906524 (VCV003906524.2).